The following is an entry in ClinVar:

NM_000222.3(KIT):c.2243T>C (p.Ile748Thr)

Gene: KIT (KIT proto-oncogene, receptor tyrosine kinase; plus strand). Cytogenetic location: 4q12.
Variant type: single nucleotide variant.
Coding change: c.2243T>C on transcript NM_000222.3 (MANE Select); coding-DNA position 2243, T replaced by C.
Protein change: p.Ile748Thr; replaces isoleucine 748 with threonine.
Molecular consequence: missense variant.
Genome position (GRCh38, 1-based): chr4:54,731,880, T>C. VCF-style: chr4-54731880-T-C. GRCh37 (hg19) VCF-style: chr4-55598046-T-C.
Other names: c.2231T>C, p.Ile744Thr (NM_001093772.2, NM_001385292.1); c.2246T>C, p.Ile749Thr (NM_001385284.1); c.2240T>C, p.Ile747Thr (NM_001385285.1); c.2228T>C, p.Ile743Thr (NM_001385286.1); c.2234T>C, p.Ile745Thr (NM_001385288.1); c.2243T>C, p.Ile748Thr (NM_001385290.1); short protein forms I748T, I744T, I743T, I745T, I747T, I749T.
Identifiers: ClinVar variation 237258 (VCV000237258.22), dbSNP rs572852980, ClinGen allele CA2923702.

ClinVar aggregate classification (germline): Conflicting classifications of pathogenicity. Review status: criteria provided, conflicting classifications (1 of 4 stars). 6 submissions from 6 submitters: Uncertain significance (5); Likely benign (1). Last evaluated 2026-07-17.

Conditions:
KIT-related disorder. Also called: KIT-related condition.
Hereditary cancer-predisposing syndrome. Also called: Neoplastic Syndromes, Hereditary; Hereditary neoplastic syndrome; Hereditary Cancer Syndrome; Tumor predisposition. Identifiers: Orphanet 140162, MedGen C0027672, MeSH D009386, MONDO:0015356.
Gastrointestinal stromal tumor. Also called: Gastrointestinal stromal tumor, somatic; Gastrointestinal stroma tumor. Identifiers: Orphanet 44890, MedGen C0238198, MeSH D046152, MONDO:0011719, OMIM 606764, HP:0100723.

Allele frequency attached by ClinVar (database versions not stated): gnomAD exomes below 0.00001 and 0.00001; ExAC 0.00001; gnomAD 0.00001 and 0.00003; TOPMed 0.00002; 1000 Genomes Project 30x 0.00016; 1000 Genomes Project 0.00020.
gnomAD v4.1: 13 of 1,613,434 alleles (0.00081%); highest among the groups gnomAD compares: East Asian, 0.011%; no homozygotes.

Submissions (6):

PreventionGenetics, part of Exact Sciences
Classification: Uncertain significance for KIT-related condition. Last evaluated: 2026-07-17. Review status: criteria provided, single submitter. Criteria: ACMG Guidelines, 2015. Collection method: clinical testing. Allele origin: germline.
Comment: The KIT c.2243T>C variant is predicted to result in the amino acid substitution p.Ile748Thr. To our knowledge, this variant has not been reported in the literature. This variant is reported in 0.011% of alleles in individuals of East Asian descent in gnomAD, and has conflicting interpretations of pathogenicity in ClinVar of uncertain significance and likely benign (Variation ID: 237258). At this time, the clinical significance of this variant is uncertain due to the absence of conclusive functional and genetic evidence.

Labcorp Genetics (formerly Invitae), Labcorp
Classification: Uncertain significance for Gastrointestinal stromal tumor. Last evaluated: 2026-01-20. Review status: criteria provided, single submitter. Criteria: Invitae Variant Classification Sherloc (09022015). Collection method: clinical testing. Allele origin: germline.
Comment: This sequence change replaces isoleucine, which is neutral and non-polar, with threonine, which is neutral and polar, at codon 748 of the KIT protein (p.Ile748Thr). This variant is present in population databases (rs572852980, gnomAD 0.01%). This variant has not been reported in the literature in individuals affected with KIT-related conditions. ClinVar contains an entry for this variant (Variation ID: 237258). An algorithm developed to predict the effect of missense changes on protein structure and function (PolyPhen-2) suggests that this variant is likely to be tolerated. In summary, the available evidence is currently insufficient to determine the role of this variant in disease. Therefore, it has been classified as a Variant of Uncertain Significance.

GeneDx
Classification: Uncertain significance. Last evaluated: 2025-09-25. Review status: criteria provided, single submitter. Criteria: GeneDx Variant Classification Process June 2021. Collection method: clinical testing. Allele origin: germline.
Comment: Not observed at significant frequency in large population cohorts (gnomAD); In silico analysis suggests that this missense variant does not alter protein structure/function; Has not been previously published as pathogenic or benign to our knowledge; This variant is associated with the following publications: (PMID: 28380455, 15650049)

Ambry Genetics
Classification: Likely benign for Hereditary cancer-predisposing syndrome. Last evaluated: 2025-04-09. Review status: criteria provided, single submitter. Criteria: Ambry Variant Classification Scheme 2023. Collection method: clinical testing. Allele origin: germline.

Baylor Genetics
Classification: Uncertain significance for Gastrointestinal stromal tumor. Last evaluated: 2024-02-13. Review status: criteria provided, single submitter. Criteria: ACMG Guidelines, 2015. Collection method: clinical testing. Allele origin: unknown.

Blueprint Genetics
Classification: Uncertain significance. Last evaluated: 2024-02-01. Review status: criteria provided, single submitter. Criteria: ACMG Guidelines, 2015. Collection method: clinical testing. Allele origin: germline.